The following is an entry in ClinVar:

ClinVar aggregate classification (germline): Uncertain significance. Review status: criteria provided, multiple submitters, no conflicts (2 of 4 stars). 2 submissions from 2 submitters: Uncertain significance (2). Last evaluated 2025-12-22.

Conditions:
Epidermolysis bullosa simplex, Ogna type (EBS5A). Also called: Pidermolysis bullosa simplex 5A, Ogna type; EPIDERMOLYSIS BULLOSA SIMPLEX 5A, OGNA TYPE. Identifiers: Orphanet 79401, MedGen C0432317, MONDO:0007555, OMIM 131950.
Epidermolysis bullosa simplex with nail dystrophy (EBS5D). Identifiers: MedGen C4225309, MONDO:0014661, OMIM 616487.
Epidermolysis bullosa simplex 5C, with pyloric atresia (EBS5C). Also called: PLEC-Related Epidermolysis Bullosa with Pyloric Atresia; Epidermolysis bullosa simplex with pyloric atresia; PLEC1-Related Epidermolysis Bullosa with Pyloric Atresia. Identifiers: Orphanet 158684, MedGen C2677349, MONDO:0012807, OMIM 612138.
Autosomal recessive limb-girdle muscular dystrophy type 2Q (LGMDR17). Also called: MUSCULAR DYSTROPHY, LIMB-GIRDLE, AUTOSOMAL RECESSIVE 17. Identifiers: Orphanet 254361, MedGen C3150989, MONDO:0013390, OMIM 613723.
Epidermolysis bullosa simplex 5B, with muscular dystrophy (EBS5B). Also called: EPIDERMOLYSIS BULLOSA SIMPLEX AND LIMB-GIRDLE MUSCULAR DYSTROPHY; Epidermolysis bullosa simplex with muscular dystrophy. Identifiers: Orphanet 257, MedGen C2931072, MONDO:0009181, OMIM 226670.
Inborn genetic diseases. Identifiers: MedGen C0950123, MeSH D030342.

gnomAD v4.1: 39 of 1,612,352 alleles (0.0024%); highest among the groups gnomAD compares: South Asian, 0.0033%; no homozygotes.

Submissions (2):

Ambry Genetics
Classification: Uncertain significance for Inborn genetic diseases. Last evaluated: 2025-12-22. Review status: criteria provided, single submitter. Criteria: Ambry Variant Classification Scheme 2023. Collection method: clinical testing. Allele origin: germline.

Labcorp Genetics (formerly Invitae), Labcorp
Classification: Uncertain significance for Autosomal recessive limb-girdle muscular dystrophy type 2Q; Epidermolysis bullosa simplex, Ogna type; Epidermolysis bullosa simplex with nail dystrophy; Epidermolysis bullosa simplex 5C, with pyloric atresia; Epidermolysis bullosa simplex 5B, with muscular dystrophy. Last evaluated: 2025-10-08. Review status: criteria provided, single submitter. Criteria: Invitae Variant Classification Sherloc (09022015). Collection method: clinical testing. Allele origin: germline.
Comment: This sequence change replaces arginine, which is basic and polar, with glutamine, which is neutral and polar, at codon 4167 of the PLEC protein (p.Arg4167Gln). This variant is present in population databases (no rsID available, gnomAD 0.006%). This variant has not been reported in the literature in individuals affected with PLEC-related conditions. ClinVar contains an entry for this variant (Variation ID: 3749752). Invitae Evidence Modeling of protein sequence and biophysical properties (such as structural, functional, and spatial information, amino acid conservation, physicochemical variation, residue mobility, and thermodynamic stability) indicates that this missense variant is not expected to disrupt PLEC protein function with a negative predictive value of 80%. In summary, the available evidence is currently insufficient to determine the role of this variant in disease. Therefore, it has been classified as a Variant of Uncertain Significance.

NM_201384.3(PLEC):c.12419G>A (p.Arg4140Gln)

Gene: PLEC (plectin; minus strand). Cytogenetic location: 8q24.3.
Variant type: single nucleotide variant.
Coding change: c.12419G>A on transcript NM_201384.3 (MANE Select); coding-DNA position 12419, G replaced by A.
Protein change: p.Arg4140Gln; replaces arginine 4140 with glutamine.
Molecular consequence: missense variant.
Genome position (GRCh38, 1-based): chr8:143,917,402, C>T on the plus strand (G>A on the coding strand, the complement: PLEC is on the minus strand). VCF-style: chr8-143917402-C-T. GRCh37 (hg19) VCF-style: chr8-144991570-C-T.
Other names: c.12500G>A (NM_000445.3); c.12419G>A, p.Arg4140Gln (NM_201382.4); c.12431G>A, p.Arg4144Gln (NM_201383.3); c.12500G>A, p.Arg4167Gln (NM_000445.5); c.9119G>A, p.Arg3040Gln (NM_001410941.1); c.12377G>A, p.Arg4126Gln (NM_201378.4); c.12353G>A, p.Arg4118Gln (NM_201379.3); c.12830G>A, p.Arg4277Gln (NM_201380.4); and 1 more; short protein forms R3040Q, R4108Q, R4118Q, R4126Q, R4140Q, R4144Q, R4167Q, R4277Q.
Identifiers: ClinVar variation 3749752 (VCV003749752.3).
Genomic context (GRCh38, chr8:143,917,402, plus strand): 5'-TTGCGGTAGGCCTCGTACACTGACATCTCCTTGCCCGTCTCGGGGTCCACGATGACCACT[C>T]GGCGCTTGCGCACGGAGGACTTGGAGGACGTCTTCCGCTCCCGCTTCTTCTCCTTCAGCG-3'
Protein context (NP_958786.1, residues 4130-4150): TSSKSSVRKR[Arg4140Gln]VVIVDPETGK